The following is an entry in ClinVar:

ClinVar aggregate classification (germline): Conflicting classifications of pathogenicity. Review status: criteria provided, conflicting classifications (1 of 4 stars). 2 submissions from 2 submitters: Uncertain significance (1); Likely benign (1). Last evaluated 2025-06-18.

Conditions:
Inborn genetic diseases. Identifiers: MedGen C0950123, MeSH D030342.
Charcot-Marie-Tooth disease type 1C. Also called: Charcot-Marie-Tooth disease, type IC; CHARCOT-MARIE-TOOTH DISEASE, DEMYELINATING, TYPE 1C; CMT, SLOW NERVE CONDUCTION TYPE C; HMSN IC; CHARCOT-MARIE-TOOTH NEUROPATHY, TYPE 1C; NEUROPATHY, HEREDITARY MOTOR AND SENSORY, TYPE IC. Identifiers: Orphanet 101083, MedGen C0270913, MONDO:0010995, OMIM 601098.

Allele frequency attached by ClinVar (database versions not stated): gnomAD 0.00001; TOPMed 0.00002.
gnomAD v4.1: 33 of 1,614,064 alleles (0.002%); highest among the groups gnomAD compares: Admixed American, 0.042%; no homozygotes.

Submissions (2):

Ambry Genetics
Classification: Likely benign for Inborn genetic diseases. Last evaluated: 2025-06-18. Review status: criteria provided, single submitter. Criteria: Ambry Variant Classification Scheme 2023. Collection method: clinical testing. Allele origin: germline.

Labcorp Genetics (formerly Invitae), Labcorp
Classification: Uncertain significance for Charcot-Marie-Tooth disease type 1C. Last evaluated: 2024-05-14. Review status: criteria provided, single submitter. Criteria: Invitae Variant Classification Sherloc (09022015). Collection method: clinical testing. Allele origin: germline.
Comment: This sequence change replaces proline, which is neutral and non-polar, with serine, which is neutral and polar, at codon 51 of the LITAF protein (p.Pro51Ser). This variant is present in population databases (rs752978718, gnomAD 0.06%), and has an allele count higher than expected for a pathogenic variant. This variant has not been reported in the literature in individuals affected with LITAF-related conditions. ClinVar contains an entry for this variant (Variation ID: 404113). An algorithm developed to predict the effect of missense changes on protein structure and function (PolyPhen-2) suggests that this variant is likely to be tolerated. In summary, the available evidence is currently insufficient to determine the role of this variant in disease. Therefore, it has been classified as a Variant of Uncertain Significance.

NM_001136472.2(LITAF):c.151C>T (p.Pro51Ser)

Gene: LITAF (lipopolysaccharide induced TNF factor; minus strand). Cytogenetic location: 16p13.13.
Variant type: single nucleotide variant.
Coding change: c.151C>T on transcript NM_001136472.2 (MANE Select); coding-DNA position 151, C replaced by T.
Protein change: p.Pro51Ser; replaces proline 51 with serine.
Molecular consequence: missense variant. On other transcripts: non-coding transcript variant (1).
Genome position (GRCh38, 1-based): chr16:11,556,580, G>A on the plus strand (C>T on the coding strand, the complement: LITAF is on the minus strand). VCF-style: chr16-11556580-G-A. GRCh37 (hg19) VCF-style: chr16-11650436-G-A.
Other names: c.151C>T, p.Pro51Ser (NM_001136473.1, NM_004862.4); short protein forms P51S.
Identifiers: ClinVar variation 404113 (VCV000404113.9), dbSNP rs752978718, ClinGen allele CA7904171.